The following is an entry in ClinVar:

NM_003322.6(TULP1):c.1386CAA[1] (p.Asn463del)

Gene: TULP1 (TUB like protein 1; minus strand). Cytogenetic location: 6p21.31.
Variant type: Microsatellite.
Coding change: c.1386CAA[1] on transcript NM_003322.6 (MANE Select); one copy of the 3-base unit CAA starting at c.1386; the reference has two copies in a row; one copy, 3 bases deleted.
Protein change: p.Asn463del; deletes asparagine 463.
Molecular consequence: inframe deletion.
Genome position (GRCh38, 1-based): chr6:35,500,085-35,500,087, TTG deleted on the plus strand (CAA on the coding strand, the reverse complement: TULP1 is on the minus strand); deleting any 3 consecutive bases within chr6:35,500,085-35,500,091 gives the same sequence; the position shown is the placement nearest the transcript's 3' end. VCF-style (leftmost placement, unchanged base first): chr6-35500084-CTTG-C. GRCh37 (hg19) VCF-style: chr6-35467861-CTTG-C.
Other names: c.1227CAA[1], p.Asn410del (NM_001289395.2); short protein forms N410del, N463del.
Identifiers: ClinVar variation 2894936 (VCV002894936.3), dbSNP rs2533781679, ClinGen allele CA2678413969.
Genomic context (GRCh38, chr6:35,500,084, plus strand): 5'-GGTGACCCGGCCTTGGAAGTTGAGGGTGTAGGAGCCACTGTCATCGTTCCAGACAGGTGG[CTTG>C]TTGTGCAGTTCTATGAGGCTCTCCAGCGTCTTGTTCTGCCAGCGCACCAGCAGGCCGTCA-3'

ClinVar aggregate classification (germline): Uncertain significance (1 of 4 stars; one submission).

Submission:

Labcorp Genetics (formerly Invitae), Labcorp
Classification: Uncertain significance. Last evaluated: 2023-05-15. Review status: criteria provided, single submitter. Criteria: Invitae Variant Classification Sherloc (09022015). Collection method: clinical testing. Allele origin: germline.
Comment: This variant, c.1389_1391del, results in the deletion of 1 amino acid(s) of the TULP1 protein (p.Asn463del), but otherwise preserves the integrity of the reading frame. This variant is not present in population databases (gnomAD no frequency). This variant has not been reported in the literature in individuals affected with TULP1-related conditions. Experimental studies and prediction algorithms are not available or were not evaluated, and the functional significance of this variant is currently unknown. In summary, the available evidence is currently insufficient to determine the role of this variant in disease. Therefore, it has been classified as a Variant of Uncertain Significance.